The following is an entry in ClinVar:

NM_030958.3(SLCO5A1):c.1819C>T (p.Arg607Cys)

Gene: SLCO5A1 (solute carrier organic anion transporter family member 5A1; minus strand). Cytogenetic location: 8q13.3.
Variant type: single nucleotide variant.
Coding change: c.1819C>T on transcript NM_030958.3 (MANE Select); coding-DNA position 1819, C replaced by T.
Protein change: p.Arg607Cys; replaces arginine 607 with cysteine.
Molecular consequence: missense variant.
Genome position (GRCh38, 1-based): chr8:69,679,583, G>A on the plus strand (C>T on the coding strand, the complement: SLCO5A1 is on the minus strand). VCF-style: chr8-69679583-G-A. GRCh37 (hg19) VCF-style: chr8-70591818-G-A.
Other names: c.1819C>T, p.Arg607Cys (NM_001146008.2); c.1654C>T, p.Arg552Cys (NM_001146009.1); short protein forms R552C, R607C.
Identifiers: ClinVar variation 2900375 (VCV002900375.3), dbSNP rs765107213, ClinGen allele CA4776482.

ClinVar aggregate classification (germline): Uncertain significance (1 of 4 stars; one submission).

Allele frequency attached by ClinVar (database versions not stated): ExAC 0.00001; TOPMed 0.00003; gnomAD exomes 0.00001; gnomAD 0.00002.
gnomAD v4.1: 14 of 1,614,066 alleles (0.00087%); highest among the groups gnomAD compares: Middle Eastern, 0.049%; no homozygotes.

Submission:

Labcorp Genetics (formerly Invitae), Labcorp
Classification: Uncertain significance. Last evaluated: 2025-07-30. Review status: criteria provided, single submitter. Criteria: Invitae Variant Classification Sherloc (09022015). Collection method: clinical testing. Allele origin: germline.
Comment: This sequence change replaces arginine, which is basic and polar, with cysteine, which is neutral and slightly polar, at codon 607 of the SLCO5A1 protein (p.Arg607Cys). This variant is present in population databases (rs765107213, gnomAD 0.01%). This variant has not been reported in the literature in individuals affected with SLCO5A1-related conditions. ClinVar contains an entry for this variant (Variation ID: 2900375). An algorithm developed to predict the effect of missense changes on protein structure and function (PolyPhen-2) suggests that this variant is likely to be disruptive. In summary, the available evidence is currently insufficient to determine the role of this variant in disease. Therefore, it has been classified as a Variant of Uncertain Significance.